The following is an entry in ClinVar:

ClinVar aggregate classification (germline): Likely benign (1 of 4 stars; one submission).

Allele frequency attached by ClinVar (database versions not stated): TOPMed 0.00068; gnomAD 0.00076; 1000 Genomes Project 30x 0.00078; 1000 Genomes Project 0.00080; ExAC 0.00082; ESP Exome Variant Server 0.00088.
gnomAD v4.1: 1,301 of 1,551,492 alleles (0.084%); highest among the groups gnomAD compares: Middle Eastern, 0.18%; 1 homozygote.

Submission:

CeGaT Center for Human Genetics Tuebingen
Classification: Likely benign. Last evaluated: 2023-06-01. Review status: criteria provided, single submitter. Criteria: CeGaT Center For Human Genetics Tuebingen Variant Classification Criteria Version 2. Collection method: clinical testing. Allele origin: germline. Affected: yes. Observed: 1 variant allele.
Comment: IGFN1: BP4, BP7

NM_001164586.2(IGFN1):c.105C>T (p.Pro35=)

Gene: IGFN1 (immunoglobulin like and fibronectin type III domain containing 1; plus strand). Cytogenetic location: 1q32.1.
Variant type: single nucleotide variant.
Coding change: c.105C>T on transcript NM_001164586.2 (MANE Select); coding-DNA position 105, C replaced by T.
Protein change: p.Pro35=; no amino-acid change (proline 35 retained).
Molecular consequence: synonymous variant.
Genome position (GRCh38, 1-based): chr1:201,194,251, C>T. VCF-style: chr1-201194251-C-T. GRCh37 (hg19) VCF-style: chr1-201163379-C-T.
Other names: c.105C>T, p.Pro35= (NM_001367841.1).
Identifiers: ClinVar variation 2639747 (VCV002639747.24), dbSNP rs147277196, ClinGen allele CA1322115.